The following is an entry in ClinVar:

ClinVar aggregate classification (germline): Uncertain significance (1 of 4 stars; one submission).

Conditions:
Hereditary sensory and autonomic neuropathy type 6. Also called: HSAN VI; Neuropathy, hereditary sensory and autonomic, type VI. Identifiers: Orphanet 314381, MedGen C3539003, MONDO:0013839, OMIM 614653.
Epidermolysis bullosa simplex 3, localized or generalized intermediate, with BP230 deficiency (EBS3). Also called: Epidermolysis bullosa simplex, autosomal recessive 2; Epidermolysis bullosa simplex due to BP230 deficiency. Identifiers: Orphanet 412181, MedGen C3809470, MONDO:0014180, OMIM 615425.

Allele frequency attached by ClinVar (database versions not stated): gnomAD exomes below 0.00001; ExAC 0.00001; gnomAD 0.00001.
gnomAD v4.1: 8 of 1,610,946 alleles (0.0005%); highest among the groups gnomAD compares: Non-Finnish European, 0.00068%; no homozygotes.

Submission:

Labcorp Genetics (formerly Invitae), Labcorp
Classification: Uncertain significance for Epidermolysis bullosa simplex 3, localized or generalized intermediate, with BP230 deficiency; Hereditary sensory and autonomic neuropathy type 6. Last evaluated: 2023-07-06. Review status: criteria provided, single submitter. Criteria: Invitae Variant Classification Sherloc (09022015). Collection method: clinical testing. Allele origin: germline.
Comment: The DST gene has multiple clinically relevant transcripts. This variant occurs in alternate transcript NM_015548.4, and corresponds to NM_001723.5:c.*23224A>G in the primary transcript. This sequence change affects codon 1641 of the DST mRNA. It is a 'silent' change, meaning that it does not change the encoded amino acid sequence of the DST protein. This variant is not present in population databases (gnomAD no frequency). This variant has not been reported in the literature in individuals affected with DST-related conditions. Experimental studies and prediction algorithms are not available or were not evaluated, and the effect of this variant on mRNA splicing is currently unknown. In summary, the available evidence is currently insufficient to determine the role of this variant in disease. Therefore, it has been classified as a Variant of Uncertain Significance.

NM_001374736.1(DST):c.12792A>G (p.Ser4264=)

Gene: DST (dystonin; minus strand). Cytogenetic location: 6p12.1.
Variant type: single nucleotide variant.
Coding change: c.12792A>G on transcript NM_001374736.1 (MANE Select); coding-DNA position 12792, A replaced by G.
Protein change: p.Ser4264=; no amino-acid change (serine 4264 retained).
Molecular consequence: synonymous variant.
Genome position (GRCh38, 1-based): chr6:56,592,293, T>C on the plus strand (A>G on the coding strand, the complement: DST is on the minus strand). VCF-style: chr6-56592293-T-C. GRCh37 (hg19) VCF-style: chr6-56457091-T-C.
Other names: c.6435A>G, p.Ser2145= (NM_001144769.5); c.6021A>G, p.Ser2007= (NM_001144770.2); c.12792A>G, p.Ser4264= (NM_001374722.1); c.12159A>G, p.Ser4053= (NM_001374729.1); c.5901A>G, p.Ser1967= (NM_001374730.1, NM_001386100.1, NM_183380.4); c.12819A>G, p.Ser4273= (NM_001374734.1); c.4923A>G, p.Ser1641= (NM_015548.5).
Identifiers: ClinVar variation 2928877 (VCV002928877.3), dbSNP rs763262915, ClinGen allele CA3868391.